The following is an entry in ClinVar:

ClinVar aggregate classification (germline): Uncertain significance (1 of 4 stars; one submission).

Conditions:
Paroxysmal nonkinesigenic dyskinesia. Also called: Paroxysmal non-kinesigenic dyskinesia. Identifiers: Orphanet 98810, MedGen C1869117, MONDO:0700088.

Allele frequency attached by ClinVar (database versions not stated): TOPMed below 0.00001; gnomAD exomes 0.00001.
gnomAD v4.1: 15 of 1,613,600 alleles (0.00093%); highest among the groups gnomAD compares: Non-Finnish European, 0.001%; no homozygotes.

Submission:

Labcorp Genetics (formerly Invitae), Labcorp
Classification: Uncertain significance for Paroxysmal nonkinesigenic dyskinesia. Last evaluated: 2021-02-25. Review status: criteria provided, single submitter. Criteria: Invitae Variant Classification Sherloc (09022015). Collection method: clinical testing. Allele origin: germline.
Comment: In summary, the available evidence is currently insufficient to determine the role of this variant in disease. Therefore, it has been classified as a Variant of Uncertain Significance. Algorithms developed to predict the effect of missense changes on protein structure and function (SIFT, PolyPhen-2, Align-GVGD) all suggest that this variant is likely to be tolerated, but these predictions have not been confirmed by published functional studies and their clinical significance is uncertain. This variant has not been reported in the literature in individuals with PNKD-related conditions. This variant is not present in population databases (ExAC no frequency). This sequence change replaces alanine with threonine at codon 26 of the PNKD protein (p.Ala26Thr). The alanine residue is weakly conserved and there is a small physicochemical difference between alanine and threonine.

NM_015488.5(PNKD):c.76G>A (p.Ala26Thr)

Gene: PNKD (PNKD metallo-beta-lactamase domain containing; plus strand). Cytogenetic location: 2q35.
Variant type: single nucleotide variant.
Coding change: c.76G>A on transcript NM_015488.5 (MANE Select); coding-DNA position 76, G replaced by A.
Protein change: p.Ala26Thr; replaces alanine 26 with threonine.
Molecular consequence: missense variant.
Genome position (GRCh38, 1-based): chr2:218,271,389, G>A. VCF-style: chr2-218271389-G-A. GRCh37 (hg19) VCF-style: chr2-219136112-G-A.
Other names: c.76G>A, p.Ala26Thr (NM_001077399.3); short protein forms A26T.
Identifiers: ClinVar variation 937878 (VCV000937878.9), dbSNP rs1222343109, ClinGen allele CA350544504.